The following is an entry in ClinVar:

NM_014908.4(DOLK):c.1010G>A (p.Arg337Gln)

Gene: DOLK (dolichol kinase; minus strand). Cytogenetic location: 9q34.11.
Variant type: single nucleotide variant.
Coding change: c.1010G>A on transcript NM_014908.4 (MANE Select); coding-DNA position 1010, G replaced by A.
Protein change: p.Arg337Gln; replaces arginine 337 with glutamine.
Molecular consequence: missense variant.
Genome position (GRCh38, 1-based): chr9:128,946,294, C>T on the plus strand (G>A on the coding strand, the complement: DOLK is on the minus strand). VCF-style: chr9-128946294-C-T. GRCh37 (hg19) VCF-style: chr9-131708573-C-T.
Other names: short protein forms R337Q.
Identifiers: ClinVar variation 1366401 (VCV001366401.6), dbSNP rs759025031, ClinGen allele CA5271647.
Genomic context (GRCh38, chr9:128,946,294, plus strand): 5'-GGCCGGTCAAAGATGATACCTGGGATGTAGGTGGCTACCACAATGAGGTGGAAATACTTT[C>T]GGGCGATGGTGGGGGCCTGGTGCTTCTTGGACTCGGAAGATGACCGCTTGGCATTCTGGT-3'
Protein context (NP_055723.1, residues 327-347): SKKHQAPTIA[Arg337Gln]KYFHLIVVAT

ClinVar aggregate classification (germline): Uncertain significance. Review status: criteria provided, multiple submitters, no conflicts (2 of 4 stars). 3 submissions from 3 submitters: Uncertain significance (3). Last evaluated 2026-09-21.

Conditions:
Cardiovascular phenotype. Identifiers: MedGen CN230736.
DK1-congenital disorder of glycosylation. Also called: DOLK-congenital disorder of glycosylation; Carbohydrate deficient glycoprotein syndrome type 1m; CONGENITAL DISORDER OF GLYCOSYLATION, TYPE Im; CDG Im; DK1 DEFICIENCY; DOLICHOL KINASE DEFICIENCY. Identifiers: Orphanet 91131, MedGen C1835849, MONDO:0012556, OMIM 610768.

Allele frequency attached by ClinVar (database versions not stated): TOPMed 0.00002; ExAC 0.00001; gnomAD exomes 0.00001.

Submissions (3):

Molecular Diagnostic Laboratory for Inherited Cardiovascular Disease, Montreal Heart Institute
Classification: Uncertain significance for Cardiovascular phenotype. Last evaluated: 2026-09-21. Review status: criteria provided, single submitter. Criteria: ACMG Guidelines, 2015. Collection method: clinical testing. Allele origin: germline. Affected: yes.
Comment: PP3

Labcorp Genetics (formerly Invitae), Labcorp
Classification: Uncertain significance for DK1-congenital disorder of glycosylation. Last evaluated: 2021-11-19. Review status: criteria provided, single submitter. Criteria: Invitae Variant Classification Sherloc (09022015). Collection method: clinical testing. Allele origin: germline.
Comment: This sequence change replaces arginine, which is basic and polar, with glutamine, which is neutral and polar, at codon 337 of the DOLK protein (p.Arg337Gln). This variant is present in population databases (rs759025031, gnomAD 0.002%). This variant has not been reported in the literature in individuals affected with DOLK-related conditions. Algorithms developed to predict the effect of missense changes on protein structure and function (SIFT, PolyPhen-2, Align-GVGD) all suggest that this variant is likely to be disruptive. In summary, the available evidence is currently insufficient to determine the role of this variant in disease. Therefore, it has been classified as a Variant of Uncertain Significance.

Ambry Genetics
Classification: Uncertain significance for Cardiovascular phenotype. Last evaluated: 2021-03-07. Review status: criteria provided, single submitter. Criteria: Ambry Variant Classification Scheme 2023. Collection method: clinical testing. Allele origin: germline.
Comment: The p.R337Q variant (also known as c.1010G>A), located in coding exon 1 of the DOLK gene, results from a G to A substitution at nucleotide position 1010. The arginine at codon 337 is replaced by glutamine, an amino acid with highly similar properties. This amino acid position is highly conserved in available vertebrate species. In addition, this alteration is predicted to be deleterious by in silico analysis. Since supporting evidence is limited at this time, the clinical significance of this alteration remains unclear.